The following is an entry in ClinVar:

NM_004260.4(RECQL4):c.757del (p.Gln253fs)

Gene: RECQL4 (RecQ like helicase 4; minus strand). Cytogenetic location: 8q24.3.
Variant type: Deletion.
Coding change: c.757del on transcript NM_004260.4 (MANE Select); coding-DNA position 757, one base deleted (C; older notation c.757delC).
Protein change: p.Gln253fs; shifts the reading frame from glutamine 253.
Molecular consequence: frameshift variant. On other transcripts: 5 prime UTR variant (17), non-coding transcript variant (3).
Genome position (GRCh38, 1-based): chr8:144,516,362, G deleted on the plus strand (C on the coding strand, the reverse complement: RECQL4 is on the minus strand); the first of 5 consecutive G bases (chr8:144,516,362-144,516,366); deleting any one gives the same sequence. VCF-style (leftmost placement, unchanged base first): chr8-144516361-TG-T. GRCh37 (hg19) VCF-style: chr8-145741745-TG-T.
Other names: c.757del, p.Gln253fs (NM_001413017.1, NM_001413018.1, NM_001413019.1 and 4 more transcripts); c.-315del (NM_001413021.1, NM_001413022.1, NM_001413023.1 and 7 more transcripts); c.628del, p.Gln210fs (NM_001413025.1); c.-377del (NM_001413027.1, NM_001413030.1, NM_001413031.1 and 2 more transcripts); c.406del, p.Gln136fs (NM_001413029.1); c.-219del (NM_001413034.1); c.-584del (NM_001413043.1); short protein forms Q210fs, Q253fs, Q136fs.
Identifiers: ClinVar variation 4725989 (VCV004725989.1).

ClinVar aggregate classification (germline): Pathogenic (1 of 4 stars; one submission).

Conditions:
Baller-Gerold syndrome (BGS). Also called: CRANIOSYNOSTOSIS WITH RADIAL DEFECTS. Identifiers: Orphanet 1225, MedGen C0265308, MONDO:0009039, OMIM 218600.

Submission:

Labcorp Genetics (formerly Invitae), Labcorp
Classification: Pathogenic for Baller-Gerold syndrome. Last evaluated: 2025-12-10. Review status: criteria provided, single submitter. Criteria: Invitae Variant Classification Sherloc (09022015). Collection method: clinical testing. Allele origin: germline.
Comment: This sequence change creates a premature translational stop signal (p.Gln253Serfs*40) in the RECQL4 gene. It is expected to result in an absent or disrupted protein product. Loss-of-function variants in RECQL4 are known to be pathogenic (PMID: 12734318, 12952869). This variant is not present in population databases (gnomAD no frequency). This variant has not been reported in the literature in individuals affected with RECQL4-related conditions. For these reasons, this variant has been classified as Pathogenic.

Literature cited by the submitters: PubMed 12734318; PubMed 12952869.